The following is an entry in ClinVar:

NM_006204.4(PDE6C):c.1485A>G (p.Lys495=)

Gene: PDE6C (phosphodiesterase 6C; plus strand). Cytogenetic location: 10q23.33.
Variant type: single nucleotide variant.
Coding change: c.1485A>G on transcript NM_006204.4 (MANE Select); coding-DNA position 1485, A replaced by G.
Protein change: p.Lys495=; no amino-acid change (lysine 495 retained).
Molecular consequence: synonymous variant.
Genome position (GRCh38, 1-based): chr10:93,640,072, A>G. VCF-style: chr10-93640072-A-G. GRCh37 (hg19) VCF-style: chr10-95399829-A-G.
Identifiers: ClinVar variation 2115727 (VCV002115727.4), dbSNP rs2492532397, ClinGen allele CA470793291.
Genomic context (GRCh38, chr10:93,640,072, plus strand): 5'-GAGTGGAAAGGGAAAACAGATGAATGTAATCTGAAACAACCCATCCTTATTTCAACAGAA[A>G]GAGGACTTGCCAGACCCACGCTCAGCAGAACTGTACGAATTCCGCTTCAGTGACTTCCCC-3'
Protein context (NP_006195.3, residues 485-505): CEEKQLVAIL[Lys495=]EDLPDPRSAE

ClinVar aggregate classification (germline): Uncertain significance (1 of 4 stars; one submission).

Submission:

Labcorp Genetics (formerly Invitae), Labcorp
Classification: Uncertain significance. Last evaluated: 2022-03-22. Review status: criteria provided, single submitter. Criteria: Invitae Variant Classification Sherloc (09022015). Collection method: clinical testing. Allele origin: germline.
Comment: Algorithms developed to predict the effect of sequence changes on RNA splicing suggest that this variant may create or strengthen a splice site. This variant has not been reported in the literature in individuals affected with PDE6C-related conditions. This variant is not present in population databases (gnomAD no frequency). This sequence change affects codon 495 of the PDE6C mRNA. It is a 'silent' change, meaning that it does not change the encoded amino acid sequence of the PDE6C protein. In summary, the available evidence is currently insufficient to determine the role of this variant in disease. Therefore, it has been classified as a Variant of Uncertain Significance.